The following is an entry in ClinVar:

NM_001605.3(AARS1):c.1223-144_1223-128del

Gene: AARS1 (alanyl-tRNA synthetase 1; minus strand). Cytogenetic location: 16q22.1.
Variant type: Deletion.
Coding change: c.1223-144_1223-128del on transcript NM_001605.3 (MANE Select); 144 bases into the intron before coding-DNA position 1223 through 128 bases into the intron before coding-DNA position 1223, 17 bases deleted (TGGATTTTCTGATGGGC).
Molecular consequence: intron variant.
Genome position (GRCh38, 1-based): chr16:70,265,790-70,265,806, GCCCATCAGAAAATCCA deleted on the plus strand (TGGATTTTCTGATGGGC on the coding strand, the reverse complement: AARS1 is on the minus strand); deleting any 17 consecutive bases within chr16:70,265,790-70,265,808 gives the same sequence; the c. name uses the placement nearest the transcript's 3' end. VCF-style (leftmost placement, unchanged base first): chr16-70265789-TGCCCATCAGAAAATCCA-T. GRCh37 (hg19) VCF-style: chr16-70299692-TGCCCATCAGAAAATCCA-T.
Other names: c.1223-144_1223-128del17 (NM_001605.2).
Identifiers: ClinVar variation 676230 (VCV000676230.1), dbSNP rs67219164, ClinGen allele CA283436303.

ClinVar aggregate classification (germline): Benign (1 of 4 stars; one submission).

Submission:

GeneDx
Classification: Benign. Last evaluated: 2018-06-19. Review status: criteria provided, single submitter. Criteria: GeneDx Variant Classification (06012015). Collection method: clinical testing. Allele origin: germline. Affected: yes.
Comment: This variant is considered likely benign or benign based on one or more of the following criteria: it is a conservative change, it occurs at a poorly conserved position in the protein, it is predicted to be benign by multiple in silico algorithms, and/or has population frequency not consistent with disease.